The following is an entry in ClinVar:

NM_000237.3(LPL):c.904T>C (p.Cys302Arg)

Gene: LPL (lipoprotein lipase; plus strand). Cytogenetic location: 8p21.3.
Variant type: single nucleotide variant.
Coding change: c.904T>C on transcript NM_000237.3 (MANE Select); coding-DNA position 904, T replaced by C.
Protein change: p.Cys302Arg; replaces cysteine 302 with arginine.
Molecular consequence: missense variant.
Genome position (GRCh38, 1-based): chr8:19,955,969, T>C. VCF-style: chr8-19955969-T-C. GRCh37 (hg19) VCF-style: chr8-19813480-T-C.
Other names: short protein forms C302R.
Identifiers: ClinVar variation 424622 (VCV000424622.3), dbSNP rs1064797075, ClinGen allele CA16621522.

ClinVar aggregate classification (germline): Likely pathogenic (1 of 4 stars; one submission).

Conditions:
Hyperlipidemia, familial combined, LPL related (FCHL3). Also called: Hyperapobetalipoproteinemia. Identifiers: MedGen C0020474, MONDO:0007759, OMIM 144250, HP:0008158.

Submission:

GenePathDx, GenePath diagnostics
Classification: Likely pathogenic for Familial hypertriglyceridemia. Last evaluated: 2016-06-01. Review status: criteria provided, single submitter. Criteria: GenePathDx_Criteria_classificationV2. Collection method: clinical testing. Allele origin: germline. Inheritance: Autosomal dominant inheritance. Affected: yes. Observed: 1 variant allele.